The following is an entry in ClinVar:

ClinVar aggregate classification (germline): Uncertain significance. Review status: criteria provided, multiple submitters, no conflicts (2 of 4 stars). 2 submissions from 2 submitters: Uncertain significance (2). Last evaluated 2024-06-13.

gnomAD v4.1: 29 of 1,613,900 alleles (0.0018%); highest among the groups gnomAD compares: Non-Finnish European, 0.0023%; no homozygotes.

Submissions (2):

Blueprint Genetics
Classification: Uncertain significance. Last evaluated: 2024-06-13. Review status: criteria provided, single submitter. Criteria: ACMG Guidelines, 2015. Collection method: clinical testing. Allele origin: germline.

GeneDx
Classification: Uncertain significance. Last evaluated: 2022-01-18. Review status: criteria provided, single submitter. Criteria: GeneDx Variant Classification Process June 2021. Collection method: clinical testing. Allele origin: germline. Affected: yes.
Comment: Not observed at significant frequency in large population cohorts (gnomAD); In silico analysis supports that this missense variant does not alter protein structure/function; Has not been previously published as pathogenic or benign to our knowledge

NM_206933.4(USH2A):c.9688G>T (p.Ala3230Ser)

Gene: USH2A (usherin; minus strand). Cytogenetic location: 1q41.
Variant type: single nucleotide variant.
Coding change: c.9688G>T on transcript NM_206933.4 (MANE Select); coding-DNA position 9688, G replaced by T.
Protein change: p.Ala3230Ser; replaces alanine 3230 with serine.
Molecular consequence: missense variant.
Genome position (GRCh38, 1-based): chr1:215,813,787, C>A on the plus strand (G>T on the coding strand, the complement: USH2A is on the minus strand). VCF-style: chr1-215813787-C-A. GRCh37 (hg19) VCF-style: chr1-215987129-C-A.
Other names: short protein forms A3230S.
Identifiers: ClinVar variation 1335815 (VCV001335815.3), dbSNP rs528342000, ClinGen allele CA37426400.
Genomic context (GRCh38, chr1:215,813,787, plus strand): 5'-AACCCTCACCTGGTAGAATTCTAGCGTAATACCCAGAGCAGCACTGATGATTTGGTTGTG[C>A]CTCCTGTATTCGGCCACCACAACAAACTCCAGTAGAATTCAGAACAAACGGGATATACTT-3'
Protein context (NP_996816.3, residues 3220-3240): GVCCGGRIQE[Ala3230Ser]QPNHQCCSGY